The following is an entry in ClinVar:

NM_001164508.2(NEB):c.5039A>G (p.Tyr1680Cys)

Gene: NEB (nebulin; minus strand). Cytogenetic location: 2q23.3.
Variant type: single nucleotide variant.
Coding change: c.5039A>G on transcript NM_001164508.2 (MANE Select); coding-DNA position 5039, A replaced by G.
Protein change: p.Tyr1680Cys; replaces tyrosine 1680 with cysteine.
Molecular consequence: missense variant.
Genome position (GRCh38, 1-based): chr2:151,665,532, T>C on the plus strand (A>G on the coding strand, the complement: NEB is on the minus strand). VCF-style: chr2-151665532-T-C. GRCh37 (hg19) VCF-style: chr2-152522046-T-C.
Other names: c.5039A>G, p.Tyr1680Cys (NM_001164507.2, NM_001271208.2, NM_004543.5); short protein forms Y1680C.
Identifiers: ClinVar variation 3233268 (VCV003233268.3), dbSNP rs2552257876.

ClinVar aggregate classification (germline): Likely pathogenic. Review status: criteria provided, multiple submitters, no conflicts (2 of 4 stars). 2 submissions from 2 submitters: Likely pathogenic (2). Last evaluated 2024-12-10.

Conditions:
Nemaline myopathy. Also called: Myopathies, Nemaline. Identifiers: Orphanet 607, MedGen C0206157, MONDO:0018958.

Submissions (2):

GeneDx
Classification: Likely pathogenic. Last evaluated: 2024-12-10. Review status: criteria provided, single submitter. Criteria: GeneDx Variant Classification Process June 2021. Collection method: clinical testing. Allele origin: germline. Affected: yes.
Comment: Not observed at significant frequency in large population cohorts (gnomAD); In silico analysis supports that this missense variant has a deleterious effect on protein structure/function; This variant is associated with the following publications: (PMID: 29792937, 38982518, 34440373)

Muscle and Diseases Team, Institut de Génétique et Biologie Moléculaire et Cellulaire
Classification: Likely pathogenic for Nemaline myopathy. Last evaluated: 2024-03-01. Review status: criteria provided, single submitter. Criteria: ACMG Guidelines, 2015. Collection method: research. Allele origin: unknown. Affected: yes. Observed: 1 variant allele.
Comment: PM1+PM2+PM3+PP3+PP4+BP1

Literature cited by the submitters: DOI 10.1186/s13073-024-01353-0 (cited by Muscle and Diseases Team, Institut de Génétique et Biologie Moléculaire et Cellulaire).